The following is an entry in ClinVar:

ClinVar aggregate classification (germline): Uncertain significance (1 of 4 stars; one submission).

Conditions:
Cardiovascular phenotype. Identifiers: MedGen CN230736.

Submission:

Ambry Genetics
Classification: Uncertain significance for Cardiovascular phenotype. Last evaluated: 2024-02-18. Review status: criteria provided, single submitter. Criteria: Ambry Variant Classification Scheme 2023. Collection method: clinical testing. Allele origin: germline.
Comment: The p.M1490T variant (also known as c.4469T>C), located in coding exon 26 of the SCN10A gene, results from a T to C substitution at nucleotide position 4469. The methionine at codon 1490 is replaced by threonine, an amino acid with similar properties. This amino acid position is conserved. In addition, this alteration is predicted to be deleterious by in silico analysis. Based on the available evidence, the clinical significance of this alteration remains unclear.

NM_006514.4(SCN10A):c.4469T>C (p.Met1490Thr)

Gene: SCN10A (sodium voltage-gated channel alpha subunit 10; minus strand). Cytogenetic location: 3p22.2.
Variant type: single nucleotide variant.
Coding change: c.4469T>C on transcript NM_006514.4 (MANE Select); coding-DNA position 4469, T replaced by C.
Protein change: p.Met1490Thr; replaces methionine 1490 with threonine.
Molecular consequence: missense variant.
Genome position (GRCh38, 1-based): chr3:38,702,027, A>G on the plus strand (T>C on the coding strand, the complement: SCN10A is on the minus strand). VCF-style: chr3-38702027-A-G. GRCh37 (hg19) VCF-style: chr3-38743518-A-G.
Other names: c.4466T>C, p.Met1489Thr (NM_001293306.2); c.4175T>C, p.Met1392Thr (NM_001293307.2); short protein forms M1392T, M1489T, M1490T.
Identifiers: ClinVar variation 3225663 (VCV003225663.1), dbSNP rs1359568771, ClinGen allele CA352146747.
Genomic context (GRCh38, chr3:38,702,027, plus strand): 5'-TTGCCCAGAATTTTCGTCTTTTCTTCACTTTGGTCATCAGTCTCCACCATCATGGTGATC[A>G]TGTTGAGGCAGATGAGGACCATGATGGTGATGTCAAAAGCTTGTCTGGTCACGATGTCAA-3'
Protein context (NP_006505.4, residues 1480-1500): ITIMVLICLN[Met1490Thr]ITMMVETDDQ